The following is an entry in ClinVar:

NM_001046.3(SLC12A2):c.937G>A (p.Gly313Ser)

Gene: SLC12A2 (solute carrier family 12 member 2; plus strand). Cytogenetic location: 5q23.3.
Variant type: single nucleotide variant.
Coding change: c.937G>A on transcript NM_001046.3 (MANE Select); coding-DNA position 937, G replaced by A.
Protein change: p.Gly313Ser; replaces glycine 313 with serine.
Molecular consequence: missense variant. On other transcripts: non-coding transcript variant (1).
Genome position (GRCh38, 1-based): chr5:128,114,272, G>A. VCF-style: chr5-128114272-G-A. GRCh37 (hg19) VCF-style: chr5-127449964-G-A.
Other names: c.937G>A, p.Gly313Ser (NM_001256461.2); short protein forms G313S.
Identifiers: ClinVar variation 4822612 (VCV004822612.4).

ClinVar aggregate classification (germline): Uncertain significance (1 of 4 stars; one submission).

Submission:

CeGaT Center for Human Genetics Tuebingen
Classification: Uncertain significance. Last evaluated: 2026-03-01. Review status: criteria provided, single submitter. Criteria: CeGaT Center For Human Genetics Tuebingen Variant Classification Criteria Version 2. Collection method: clinical testing. Allele origin: germline. Affected: yes. Observed: 1 variant allele.
Comment: SLC12A2: PP3